The following is an entry in ClinVar:

ClinVar aggregate classification (germline): Uncertain significance (1 of 4 stars; one submission).

Submission:

Labcorp Genetics (formerly Invitae), Labcorp
Classification: Uncertain significance. Last evaluated: 2023-09-05. Review status: criteria provided, single submitter. Criteria: Invitae Variant Classification Sherloc (09022015). Collection method: clinical testing. Allele origin: germline.
Comment: This sequence change falls in intron 38 of the HMCN1 gene. It does not directly change the encoded amino acid sequence of the HMCN1 protein. It affects a nucleotide within the consensus splice site. This variant is not present in population databases (gnomAD no frequency). This variant has not been reported in the literature in individuals affected with HMCN1-related conditions. Variants that disrupt the consensus splice site are a relatively common cause of aberrant splicing (PMID: 17576681, 9536098). Algorithms developed to predict the effect of sequence changes on RNA splicing suggest that this variant is not likely to affect RNA splicing. In summary, the available evidence is currently insufficient to determine the role of this variant in disease. Therefore, it has been classified as a Variant of Uncertain Significance.

Literature cited by the submitters: PubMed 17576681; PubMed 9536098.

NM_031935.3(HMCN1):c.6029-3C>T

Gene: HMCN1 (hemicentin 1; plus strand). Cytogenetic location: 1q31.1.
Variant type: single nucleotide variant.
Coding change: c.6029-3C>T on transcript NM_031935.3 (MANE Select); 3 bases into the intron before coding-DNA position 6029, C replaced by T.
Molecular consequence: intron variant.
Genome position (GRCh38, 1-based): chr1:186,039,725, C>T. VCF-style: chr1-186039725-C-T. GRCh37 (hg19) VCF-style: chr1-186008857-C-T.
Identifiers: ClinVar variation 2758300 (VCV002758300.3), dbSNP rs2527641649, ClinGen allele CA2697554788.
Genomic context (GRCh38, chr1:186,039,725, plus strand): 5'-TCATCATTTGAGATCACAAATCCTGTGATATTAACGTGTCTTACTTTCATTTGTTTTTTT[C>T]AGTGGCCCCATCAATTTCTGGCAGCAATAACATGGTGGCAGTGGTGGTTAATAACCCGGT-3'